The following is an entry in ClinVar:

NM_013266.4(CTNNA3):c.1703T>A (p.Met568Lys)

Gene: CTNNA3 (catenin alpha 3; minus strand). Cytogenetic location: 10q21.3.
Variant type: single nucleotide variant.
Coding change: c.1703T>A on transcript NM_013266.4 (MANE Select); coding-DNA position 1703, T replaced by A.
Protein change: p.Met568Lys; replaces methionine 568 with lysine.
Molecular consequence: missense variant.
Genome position (GRCh38, 1-based): chr10:66,379,181, A>T on the plus strand (T>A on the coding strand, the complement: CTNNA3 is on the minus strand). VCF-style: chr10-66379181-A-T. GRCh37 (hg19) VCF-style: chr10-68138939-A-T.
Other names: c.1703T>A, p.Met568Lys (NM_001127384.3); short protein forms M568K.
Identifiers: ClinVar variation 2814364 (VCV002814364.3), dbSNP rs376984969, ClinGen allele CA377090257.

ClinVar aggregate classification (germline): Uncertain significance (1 of 4 stars; one submission).

Conditions:
Arrhythmogenic right ventricular dysplasia 13. Also called: Arrhythmogenic right ventricular dysplasia, familial, 13; ARRHYTHMOGENIC RIGHT VENTRICULAR CARDIOMYOPATHY 13. Identifiers: MedGen C3810138, MONDO:0000908, OMIM 615616.

Submission:

Labcorp Genetics (formerly Invitae), Labcorp
Classification: Uncertain significance for Arrhythmogenic right ventricular dysplasia 13. Last evaluated: 2022-12-28. Review status: criteria provided, single submitter. Criteria: Invitae Variant Classification Sherloc (09022015). Collection method: clinical testing. Allele origin: germline.
Comment: Advanced modeling of protein sequence and biophysical properties (such as structural, functional, and spatial information, amino acid conservation, physicochemical variation, residue mobility, and thermodynamic stability) performed at Invitae indicates that this missense variant is not expected to disrupt CTNNA3 protein function. This variant has not been reported in the literature in individuals affected with CTNNA3-related conditions. This variant is not present in population databases (gnomAD no frequency). This sequence change replaces methionine, which is neutral and non-polar, with lysine, which is basic and polar, at codon 568 of the CTNNA3 protein (p.Met568Lys). In summary, the available evidence is currently insufficient to determine the role of this variant in disease. Therefore, it has been classified as a Variant of Uncertain Significance.